The following is an entry in ClinVar:

ClinVar aggregate classification (germline): Uncertain significance (1 of 4 stars; one submission).

Conditions:
Hermansky-Pudlak syndrome 9 (HPS9). Identifiers: Orphanet 280663, Orphanet 79430, MedGen C3280026, MONDO:0013606, OMIM 614171.

Allele frequency attached by ClinVar (database versions not stated): gnomAD exomes below 0.00001.
gnomAD v4.1: 4 of 1,614,096 alleles (0.00025%); highest among the groups gnomAD compares: Non-Finnish European, 0.00034%; no homozygotes.

Submission:

Labcorp Genetics (formerly Invitae), Labcorp
Classification: Uncertain significance for Hermansky-Pudlak syndrome 9. Last evaluated: 2022-07-23. Review status: criteria provided, single submitter. Criteria: Invitae Variant Classification Sherloc (09022015). Collection method: clinical testing. Allele origin: germline.
Comment: In summary, the available evidence is currently insufficient to determine the role of this variant in disease. Therefore, it has been classified as a Variant of Uncertain Significance. Algorithms developed to predict the effect of missense changes on protein structure and function are either unavailable or do not agree on the potential impact of this missense change (SIFT: "Tolerated"; PolyPhen-2: "Probably Damaging"; Align-GVGD: "Class C0"). This variant has not been reported in the literature in individuals affected with BLOC1S6-related conditions. This variant is not present in population databases (gnomAD no frequency). This sequence change replaces proline, which is neutral and non-polar, with arginine, which is basic and polar, at codon 34 of the BLOC1S6 protein (p.Pro34Arg).

NM_012388.4(BLOC1S6):c.101C>G (p.Pro34Arg)

Gene: BLOC1S6 (biogenesis of lysosomal organelles complex 1 subunit 6; plus strand). Cytogenetic location: 15q21.1.
Variant type: single nucleotide variant.
Coding change: c.101C>G on transcript NM_012388.4 (MANE Select); coding-DNA position 101, C replaced by G.
Protein change: p.Pro34Arg; replaces proline 34 with arginine.
Molecular consequence: missense variant. On other transcripts: non-coding transcript variant (5).
Genome position (GRCh38, 1-based): chr15:45,592,153, C>G. VCF-style: chr15-45592153-C-G. GRCh37 (hg19) VCF-style: chr15-45884351-C-G.
Other names: c.116C>G, p.Pro39Arg (NM_001311255.1, NM_001311256.1); short protein forms P34R, P39R.
Identifiers: ClinVar variation 1713457 (VCV001713457.5), dbSNP rs2542271021, ClinGen allele CA392298627.